The following is an entry in ClinVar:

ClinVar aggregate classification (germline): Uncertain significance. Review status: criteria provided, multiple submitters, no conflicts (2 of 4 stars). 3 submissions from 3 submitters: Uncertain significance (3). Last evaluated 2025-08-08.

Conditions:
Cardiomyopathy (CMYO). Also called: Cardiomyopathies. Identifiers: Orphanet 167848, MedGen C0878544, MONDO:0004994, HP:0001638. Inheritance: Various modes of inheritance.
TTN-related disorder. Also called: TTN-related condition; TTN-related disease; TTN-related disorders.

Allele frequency attached by ClinVar (database versions not stated): TOPMed 0.00002.
gnomAD v4.1: 24 of 1,607,248 alleles (0.0015%); highest among the groups gnomAD compares: Middle Eastern, 0.017%; no homozygotes.

Submissions (3):

PreventionGenetics, part of Exact Sciences
Classification: Uncertain significance for TTN-related condition. Last evaluated: 2025-08-08. Review status: criteria provided, single submitter. Criteria: ACMG Guidelines, 2015. Collection method: clinical testing. Allele origin: germline.
Comment: The TTN c.25087G>C variant is predicted to result in the amino acid substitution p.Ala8363Pro. To our knowledge, this variant has not been reported in the literature. This variant is reported in 0.0024% of alleles in individuals of European (Non-Finnish) descent in gnomAD. At this time, the clinical significance of this variant is uncertain due to the absence of conclusive functional and genetic evidence.

Revvity Omics, Revvity
Classification: Uncertain significance. Last evaluated: 2022-03-29. Review status: criteria provided, single submitter. Criteria: ACMG Guidelines, 2015. Collection method: clinical testing. Allele origin: germline.

CHEO Genetics Diagnostic Laboratory, Children's Hospital of Eastern Ontario
Classification: Uncertain significance for Cardiomyopathy. Last evaluated: 2016-08-18. Review status: criteria provided, single submitter. Criteria: ACMG Guidelines, 2015. Collection method: clinical testing. Allele origin: germline. Study: Canadian Open Genetics Repository.

NM_001267550.2(TTN):c.25087G>C (p.Ala8363Pro)

Gene: TTN (titin; minus strand). Cytogenetic location: 2q31.2.
Variant type: single nucleotide variant.
Coding change: c.25087G>C on transcript NM_001267550.2 (MANE Select); coding-DNA position 25087, G replaced by C.
Protein change: p.Ala8363Pro; replaces alanine 8363 with proline.
Molecular consequence: missense variant. On other transcripts: intron variant (3).
Genome position (GRCh38, 1-based): chr2:178,717,787, C>G on the plus strand (G>C on the coding strand, the complement: TTN is on the minus strand). VCF-style: chr2-178717787-C-G. GRCh37 (hg19) VCF-style: chr2-179582514-C-G.
Other names: c.24136G>C, p.Ala8046Pro (NM_001256850.1); c.21355G>C, p.Ala7119Pro (NM_133378.4); c.13282+20295G>C (NM_003319.4); c.13858+20295G>C (NM_133437.4); c.13657+20295G>C (NM_133432.3); short protein forms A8046P, A8363P, A7119P.
Identifiers: ClinVar variation 626448 (VCV000626448.6), dbSNP rs200972189, ClinGen allele CA2000284.